The following is an entry in ClinVar:

NM_001206979.2(NR1H4):c.1038T>G (p.Ser346=)

Gene: NR1H4 (nuclear receptor subfamily 1 group H member 4; plus strand). Cytogenetic location: 12q23.1.
Variant type: single nucleotide variant.
Coding change: c.1038T>G on transcript NM_001206979.2 (MANE Select); coding-DNA position 1038, T replaced by G.
Protein change: p.Ser346=; no amino-acid change (serine 346 retained).
Molecular consequence: synonymous variant. On other transcripts: non-coding transcript variant (1).
Genome position (GRCh38, 1-based): chr12:100,540,778, T>G. VCF-style: chr12-100540778-T-G. GRCh37 (hg19) VCF-style: chr12-100934556-T-G.
Other names: c.1038T>G, p.Ser346= (NM_001206977.2); c.885T>G, p.Ser295= (NM_001206978.2); c.1056T>G, p.Ser352= (NM_001206992.2); c.1068T>G, p.Ser356= (NM_001206993.2); c.1026T>G, p.Ser342= (NM_005123.4); c.1026T>G (NM_005123.3).
Identifiers: ClinVar variation 1672586 (VCV001672586.9), dbSNP rs1395063772, ClinGen allele CA481493448.
Genomic context (GRCh38, chr12:100,540,778, plus strand): 5'-GTCTGCGGTTGAAGCTATGTTCCTTCGTTCAGCTGAGATTTTCAATAAGAAACTTCCGTC[T>G]GGGCATTCTGACCTATTGGAAGAAAGAATTCGAAATAGTGGTAAGTGATTTGGCTAATGG-3'
Protein context (NP_001193908.1, residues 336-356): SAEIFNKKLP[Ser346=]GHSDLLEERI

ClinVar aggregate classification (germline): Likely benign. Review status: criteria provided, multiple submitters, no conflicts (2 of 4 stars). 2 submissions from 2 submitters: Likely benign (2). Last evaluated 2026-01-21.

Conditions:
NR1H4-related disorder. Also called: NR1H4-related condition.

Allele frequency attached by ClinVar (database versions not stated): gnomAD exomes 0.00001; TOPMed 0.00002.

Submissions (2):

PreventionGenetics, part of Exact Sciences
Classification: Likely benign for NR1H4-related condition. Last evaluated: 2026-01-21. Review status: criteria provided, single submitter. Criteria: ACMG Guidelines, 2015. Collection method: clinical testing. Allele origin: germline.
Comment: This variant is classified as likely benign based on ACMG/AMP sequence variant interpretation guidelines (Richards et al. 2015 PMID: 25741868, with internal and published modifications).

Labcorp Genetics (formerly Invitae), Labcorp
Classification: Likely benign. Last evaluated: 2025-10-21. Review status: criteria provided, single submitter. Criteria: Invitae Variant Classification Sherloc (09022015). Collection method: clinical testing. Allele origin: germline.